The following is an entry in ClinVar:

ClinVar aggregate classification (germline): Uncertain significance (1 of 4 stars; one submission).

Allele frequency attached by ClinVar (database versions not stated): TOPMed below 0.00001; ExAC 0.00002.

Submission:

Labcorp Genetics (formerly Invitae), Labcorp
Classification: Uncertain significance. Last evaluated: 2022-10-31. Review status: criteria provided, single submitter. Criteria: Invitae Variant Classification Sherloc (09022015). Collection method: clinical testing. Allele origin: germline.
Comment: In summary, the available evidence is currently insufficient to determine the role of this variant in disease. Therefore, it has been classified as a Variant of Uncertain Significance. Advanced modeling of protein sequence and biophysical properties (such as structural, functional, and spatial information, amino acid conservation, physicochemical variation, residue mobility, and thermodynamic stability) performed at Invitae indicates that this missense variant is not expected to disrupt TALDO1 protein function. This variant has not been reported in the literature in individuals affected with TALDO1-related conditions. This variant is present in population databases (rs748362217, gnomAD 0.02%). This sequence change replaces glycine, which is neutral and non-polar, with glutamic acid, which is acidic and polar, at codon 261 of the TALDO1 protein (p.Gly261Glu).

NM_006755.2(TALDO1):c.782G>A (p.Gly261Glu)

Gene: TALDO1 (transaldolase 1; plus strand). Cytogenetic location: 11p15.5.
Variant type: single nucleotide variant.
Coding change: c.782G>A on transcript NM_006755.2 (MANE Select); coding-DNA position 782, G replaced by A.
Protein change: p.Gly261Glu; replaces glycine 261 with glutamic acid.
Molecular consequence: missense variant.
Genome position (GRCh38, 1-based): chr11:763,891, G>A. VCF-style: chr11-763891-G-A. GRCh37 (hg19) VCF-style: chr11-763891-G-A.
Other names: short protein forms G261E.
Identifiers: ClinVar variation 1936297 (VCV001936297.5), dbSNP rs748362217, ClinGen allele CA5788290.